The following is an entry in ClinVar:

NM_005902.4(SMAD3):c.335C>T (p.Ala112Val)

Gene: SMAD3 (SMAD family member 3; plus strand). Cytogenetic location: 15q22.33.
Variant type: single nucleotide variant.
Coding change: c.335C>T on transcript NM_005902.4 (MANE Select); coding-DNA position 335, C replaced by T.
Protein change: p.Ala112Val; replaces alanine 112 with valine.
Molecular consequence: missense variant.
Genome position (GRCh38, 1-based): chr15:67,165,023, C>T. VCF-style: chr15-67165023-C-T. GRCh37 (hg19) VCF-style: chr15-67457361-C-T.
Other names: c.20C>T, p.Ala7Val (NM_001145102.2); c.203C>T, p.Ala68Val (NM_001145103.2); short protein forms A112V, A68V, A7V.
Identifiers: ClinVar variation 30312 (VCV000030312.8), dbSNP rs387906854, ClinGen allele CA020077.

ClinVar aggregate classification (germline): Pathogenic/Likely pathogenic. Review status: criteria provided, multiple submitters, no conflicts (2 of 4 stars). 3 submissions from 3 submitters: Pathogenic (1); Likely pathogenic (1). 1 of the submissions does not count toward it. Last evaluated 2025-10-29.

Conditions:
Familial thoracic aortic aneurysm and aortic dissection (TAAD). Also called: Thoracic aortic aneurysms and dissections. Identifiers: Orphanet 91387, MedGen C4707243, MONDO:0019625.
Aneurysm-osteoarthritis syndrome. Also called: SMAD3-Related Loeys-Dietz Syndrome; ANEURYSMS-OSTEOARTHRITIS SYNDROME; Loeys-Dietz syndrome, type 1C; LOEYS-DIETZ SYNDROME WITH OSTEOARTHRITIS. Identifiers: Orphanet 284984, MedGen C3151087, MONDO:0013426, OMIM 613795.

Submissions (3):

Ambry Genetics
Classification: Likely pathogenic for Familial thoracic aortic aneurysm and aortic dissection. Last evaluated: 2025-10-29. Review status: criteria provided, single submitter. Criteria: Ambry Variant Classification Scheme 2023. Collection method: clinical testing. Allele origin: germline.
Comment: The p.A112V variant (also known as c.335C>T), located in coding exon 2 of the SMAD3 gene, results from a C to T substitution at nucleotide position 335. The alanine at codon 112 is replaced by valine, an amino acid with similar properties. This variant was identified in one or more individuals with features consistent with Loeys-Dietz syndrome (Ambry internal data) and segregated with disease in at least one family (Regalado ES et al. Circ Res, 2011 Sep;109:680-6; Hostetler EM et al. J Med Genet, 2019 Apr;56:252-260). This amino acid position is well conserved in available vertebrate species. In addition, this alteration is predicted to be deleterious by in silico analysis. This variant is considered to be rare based on population cohorts in the Genome Aggregation Database (gnomAD). Based on the majority of available evidence to date, this variant is likely to be pathogenic.

Institute of Human Genetics, University of Leipzig Medical Center
Classification: Pathogenic for Aneurysm-osteoarthritis syndrome. Last evaluated: 2024-09-11. Review status: criteria provided, single submitter. Criteria: ACMG Guidelines, 2015. Collection method: clinical testing. Allele origin: paternal. Inheritance: Autosomal dominant inheritance. Affected: yes.
Comment: Criteria applied: PS4_MOD,PM1,PM2,PM5,PP2,PP3

OMIM
Classification: Pathogenic for LOEYS-DIETZ SYNDROME 3. Last evaluated: 2011-09-02. Review status: no assertion criteria provided. Collection method: literature only. Allele origin: germline. Not counted in ClinVar's aggregate classification.

Literature cited by the submitters: PubMed 21778426 (cited by Ambry Genetics and OMIM); PubMed 30661052 (cited by Ambry Genetics); Guo, D.-C. Personal Communication. 2012. Houston, Tex. (cited by OMIM).